The following is an entry in ClinVar:

ClinVar aggregate classification (germline): Uncertain significance (1 of 4 stars; one submission).

Allele frequency attached by ClinVar (database versions not stated): TOPMed below 0.00001.
gnomAD v4.1: 1 of 1,614,114 alleles (0.000062%); highest among the groups gnomAD compares: Non-Finnish European, 0.000085%; no homozygotes.

Submission:

Labcorp Genetics (formerly Invitae), Labcorp
Classification: Uncertain significance. Last evaluated: 2021-08-26. Review status: criteria provided, single submitter. Criteria: Invitae Variant Classification Sherloc (09022015). Collection method: clinical testing. Allele origin: germline.
Comment: This sequence change replaces histidine with tyrosine at codon 183 of the ESCO2 protein (p.His183Tyr). The histidine residue is weakly conserved and there is a moderate physicochemical difference between histidine and tyrosine. This variant is not present in population databases (ExAC no frequency). This variant has not been reported in the literature in individuals affected with ESCO2-related conditions. Algorithms developed to predict the effect of missense changes on protein structure and function output the following: SIFT: "Tolerated"; PolyPhen-2: "Benign"; Align-GVGD: "Class C0". The tyrosine amino acid residue is found in multiple mammalian species, which suggests that this missense change does not adversely affect protein function. In summary, the available evidence is currently insufficient to determine the role of this variant in disease. Therefore, it has been classified as a Variant of Uncertain Significance.

NM_001017420.3(ESCO2):c.547C>T (p.His183Tyr)

Gene: ESCO2 (establishment of sister chromatid cohesion N-acetyltransferase 2; plus strand). Cytogenetic location: 8p21.1.
Variant type: single nucleotide variant.
Coding change: c.547C>T on transcript NM_001017420.3 (MANE Select); coding-DNA position 547, C replaced by T.
Protein change: p.His183Tyr; replaces histidine 183 with tyrosine.
Molecular consequence: missense variant.
Genome position (GRCh38, 1-based): chr8:27,776,855, C>T. VCF-style: chr8-27776855-C-T. GRCh37 (hg19) VCF-style: chr8-27634372-C-T.
Other names: short protein forms H183Y.
Identifiers: ClinVar variation 1475485 (VCV001475485.5), dbSNP rs1189081593, ClinGen allele CA370818540.